The following is an entry in ClinVar:

ClinVar aggregate classification (germline): Uncertain significance (1 of 4 stars; one submission).

Submission:

GeneDx
Classification: Uncertain significance. Last evaluated: 2023-03-28. Review status: criteria provided, single submitter. Criteria: GeneDx Variant Classification Process June 2021. Collection method: clinical testing. Allele origin: germline. Affected: yes.
Comment: Not observed at significant frequency in large population cohorts (gnomAD); In silico analysis supports that this missense variant has a deleterious effect on protein structure/function; This variant is associated with the following publications: (PMID: 35707035, 31158945, 27123488)

NM_182978.4(GNAL):c.1291G>A (p.Val431Met)

Gene: GNAL (G protein subunit alpha L; plus strand). Cytogenetic location: 18p11.21.
Variant type: single nucleotide variant.
Coding change: c.1291G>A on transcript NM_182978.4 (MANE Select); coding-DNA position 1291, G replaced by A.
Protein change: p.Val431Met; replaces valine 431 with methionine.
Molecular consequence: missense variant.
Genome position (GRCh38, 1-based): chr18:11,881,049, G>A. VCF-style: chr18-11881049-G-A. GRCh37 (hg19) VCF-style: chr18-11881048-G-A.
Other names: c.1060G>A, p.Val354Met (NM_001142339.3, NM_001261443.2, NM_001369387.1); c.439G>A, p.Val147Met (NM_001261444.2); short protein forms V354M, V431M, V147M.
Identifiers: ClinVar variation 420850 (VCV000420850.3), dbSNP rs1064794741, ClinGen allele CA16620660.